The following is an entry in ClinVar:

ClinVar aggregate classification (germline): Likely benign (1 of 4 stars; one submission).

Allele frequency attached by ClinVar (database versions not stated): ExAC 0.00006.

Submission:

CeGaT Center for Human Genetics Tuebingen
Classification: Likely benign. Last evaluated: 2023-08-01. Review status: criteria provided, single submitter. Criteria: CeGaT Center For Human Genetics Tuebingen Variant Classification Criteria Version 2. Collection method: clinical testing. Allele origin: germline. Affected: yes. Observed: 1 variant allele.
Comment: MUC6: BP4, BP7

NM_005961.3(MUC6):c.4470C>G (p.Leu1490=)

Gene: MUC6 (mucin 6, oligomeric mucus/gel-forming (gene/pseudogene); minus strand). Cytogenetic location: 11p15.5.
Variant type: single nucleotide variant.
Coding change: c.4470C>G on transcript NM_005961.3 (MANE Select); coding-DNA position 4470, C replaced by G.
Protein change: p.Leu1490=; no amino-acid change (leucine 1490 retained).
Molecular consequence: synonymous variant.
Genome position (GRCh38, 1-based): chr11:1,018,331, G>C on the plus strand (C>G on the coding strand, the complement: MUC6 is on the minus strand). VCF-style: chr11-1018331-G-C. GRCh37 (hg19) VCF-style: chr11-1018331-G-C.
Identifiers: ClinVar variation 2641108 (VCV002641108.24), dbSNP rs763299131, ClinGen allele CA5796115.
Genomic context (GRCh38, chr11:1,018,331, plus strand): 5'-GCTGGTCCCACTGGTGGTCGGCGTTATTGGTGGGGCTGTGTGGGTGGACCCTGTGGCCTT[G>C]AGCGTTGTTGGTGGAGGAATGGTACCTGTTGGCGCTGAGTGGTTGGAGGCAGATGTGGCC-3'
Protein context (NP_005952.2, residues 1480-1500): PTGTIPPPTT[Leu1490=]KATGSTHTAP